The following is an entry in ClinVar:

NM_198880.3(QRICH1):c.752A>G (p.Asp251Gly)

Gene: QRICH1 (glutamine rich 1; minus strand). Cytogenetic location: 3p21.31.
Variant type: single nucleotide variant.
Coding change: c.752A>G on transcript NM_198880.3 (MANE Select); coding-DNA position 752, A replaced by G.
Protein change: p.Asp251Gly; replaces aspartic acid 251 with glycine.
Molecular consequence: missense variant.
Genome position (GRCh38, 1-based): chr3:49,057,448, T>C on the plus strand (A>G on the coding strand, the complement: QRICH1 is on the minus strand). VCF-style: chr3-49057448-T-C. GRCh37 (hg19) VCF-style: chr3-49094881-T-C.
Other names: c.752A>G (NM_017730.2); c.752A>G, p.Asp251Gly (NM_001320580.2, NM_001320581.2, NM_001320582.2 and 4 more transcripts); short protein forms D251G.
Identifiers: ClinVar variation 4529984 (VCV004529984.2).

ClinVar aggregate classification (germline): Uncertain significance. Review status: criteria provided, multiple submitters, no conflicts (2 of 4 stars). 2 submissions from 2 submitters: Uncertain significance (2). Last evaluated 2026-08-17.

Conditions:
Inborn genetic diseases. Identifiers: MedGen C0950123, MeSH D030342.

Submissions (2):

Ambry Genetics
Classification: Uncertain significance for Inborn genetic diseases. Last evaluated: 2026-08-17. Review status: criteria provided, single submitter. Criteria: Ambry Variant Classification Scheme 2023. Collection method: clinical testing. Allele origin: germline.

GeneDx
Classification: Uncertain significance. Last evaluated: 2025-05-12. Review status: criteria provided, single submitter. Criteria: GeneDx Variant Classification Process June 2021. Collection method: clinical testing. Allele origin: germline. Affected: yes.
Comment: Not observed at significant frequency in large population cohorts (gnomAD); In silico analysis suggests that this missense variant does not alter protein structure/function; Has not been previously published as pathogenic or benign to our knowledge